The following is an entry in ClinVar:

NM_000075.4(CDK4):c.634C>T (p.Pro212Ser)

Genes: CDK4 (cyclin dependent kinase 4; minus strand), TSPAN31 (tetraspanin 31; plus strand). Cytogenetic location: 12q14.1.
Variant type: single nucleotide variant.
Coding change: c.634C>T on transcript NM_000075.4 (MANE Select); coding-DNA position 634, C replaced by T.
Protein change: p.Pro212Ser; replaces proline 212 with serine.
Molecular consequence: missense variant. On other transcripts: 3 prime UTR variant (3).
Genome position (GRCh38, 1-based): chr12:57,749,503, G>A on the plus strand (C>T on the coding strand, the complement: CDK4 is on the minus strand). VCF-style: chr12-57749503-G-A. GRCh37 (hg19) VCF-style: chr12-58143286-G-A.
Other names: c.*2213G>A (NM_001330168.2, NM_001330169.2, NM_005981.5); short protein forms P212S.
Identifiers: ClinVar variation 1752996 (VCV001752996.7), dbSNP rs1955206702, ClinGen allele CA385544317.

ClinVar aggregate classification (germline): Uncertain significance. Review status: criteria provided, multiple submitters, no conflicts (2 of 4 stars). 2 submissions from 2 submitters: Uncertain significance (2). Last evaluated 2022-08-29.

Conditions:
Familial melanoma. Also called: Hereditary melanoma; Hereditary cutaneous melanoma. Identifiers: Orphanet 618, MedGen C1512419, MONDO:0018961.
Hereditary cancer-predisposing syndrome. Also called: Neoplastic Syndromes, Hereditary; Tumor predisposition; Hereditary Cancer Syndrome; Hereditary neoplastic syndrome. Identifiers: Orphanet 140162, MedGen C0027672, MeSH D009386, MONDO:0015356.

Submissions (2):

Ambry Genetics
Classification: Uncertain significance for Hereditary cancer-predisposing syndrome. Last evaluated: 2022-08-29. Review status: criteria provided, single submitter. Criteria: Ambry Variant Classification Scheme 2023. Collection method: clinical testing. Allele origin: germline.
Comment: The p.P212S variant (also known as c.634C>T), located in coding exon 5 of the CDK4 gene, results from a C to T substitution at nucleotide position 634. The proline at codon 212 is replaced by serine, an amino acid with similar properties. This amino acid position is highly conserved in available vertebrate species. In addition, the in silico prediction for this alteration is inconclusive. Since supporting evidence is limited at this time, the clinical significance of this alteration remains unclear.

Labcorp Genetics (formerly Invitae), Labcorp
Classification: Uncertain significance for Familial melanoma. Last evaluated: 2022-08-21. Review status: criteria provided, single submitter. Criteria: Invitae Variant Classification Sherloc (09022015). Collection method: clinical testing. Allele origin: germline.
Comment: In summary, the available evidence is currently insufficient to determine the role of this variant in disease. Therefore, it has been classified as a Variant of Uncertain Significance. Algorithms developed to predict the effect of missense changes on protein structure and function are either unavailable or do not agree on the potential impact of this missense change (SIFT: "Deleterious"; PolyPhen-2: "Possibly Damaging"; Align-GVGD: "Class C0"). This variant has not been reported in the literature in individuals affected with CDK4-related conditions. This variant is not present in population databases (gnomAD no frequency). This sequence change replaces proline, which is neutral and non-polar, with serine, which is neutral and polar, at codon 212 of the CDK4 protein (p.Pro212Ser).